The following is an entry in ClinVar:

ClinVar aggregate classification (germline): Uncertain significance (1 of 4 stars; one submission).

Conditions:
Inborn genetic diseases. Identifiers: MedGen C0950123, MeSH D030342.

Submission:

Ambry Genetics
Classification: Uncertain significance for Inborn genetic diseases. Last evaluated: 2026-06-18. Review status: criteria provided, single submitter. Criteria: Ambry Variant Classification Scheme 2023. Collection method: clinical testing. Allele origin: germline.
Comment: The p.P325R variant (also known as c.974C>G), located in coding exon 4 of the SH2B3 gene, results from a C to G substitution at nucleotide position 974. The proline at codon 325 is replaced by arginine, an amino acid with dissimilar properties. This amino acid position is conserved. In addition, this alteration is predicted to be tolerated by in silico analysis. Based on the available evidence, the clinical significance of this variant remains unclear.

NM_005475.3(SH2B3):c.974C>G (p.Pro325Arg)

Gene: SH2B3 (SH2B adaptor protein 3; plus strand). Cytogenetic location: 12q24.12.
Variant type: single nucleotide variant.
Coding change: c.974C>G on transcript NM_005475.3 (MANE Select); coding-DNA position 974, C replaced by G.
Protein change: p.Pro325Arg; replaces proline 325 with arginine.
Molecular consequence: missense variant.
Genome position (GRCh38, 1-based): chr12:111,447,172, C>G. VCF-style: chr12-111447172-C-G. GRCh37 (hg19) VCF-style: chr12-111884976-C-G.
Other names: c.368C>G, p.Pro123Arg (NM_001291424.1); short protein forms P123R, P325R.
Identifiers: ClinVar variation 5029452 (VCV005029452.1).
Genomic context (GRCh38, chr12:111,447,172, plus strand): 5'-TCTTCTCCAGCAGGCTGGAGAGCACAGAAGCAGAGATGCATATTCCCTCAGCCCTAGAGC[C>G]TAGCACGTCCAGCTCCCCAAGGGGCAGCACAGATTCCCTTAACCAAGGTGGGTAAACCAA-3'
Protein context (NP_005466.1, residues 315-335): AEMHIPSALE[Pro325Arg]STSSSPRGST